The following is an entry in ClinVar:

NM_001278064.2(GRM1):c.1088C>T (p.Thr363Met)

Gene: GRM1 (glutamate metabotropic receptor 1; plus strand). Cytogenetic location: 6q24.3.
Variant type: single nucleotide variant.
Coding change: c.1088C>T on transcript NM_001278064.2 (MANE Select); coding-DNA position 1088, C replaced by T.
Protein change: p.Thr363Met; replaces threonine 363 with methionine.
Molecular consequence: missense variant.
Genome position (GRCh38, 1-based): chr6:146,304,748, C>T. VCF-style: chr6-146304748-C-T. GRCh37 (hg19) VCF-style: chr6-146625884-C-T.
Other names: c.1088C>T, p.Thr363Met (NM_001278065.2, NM_001278066.1, NM_001278067.1); short protein forms T363M.
Identifiers: ClinVar variation 2188132 (VCV002188132.4), dbSNP rs768125686, ClinGen allele CA4037216.

ClinVar aggregate classification (germline): Uncertain significance (1 of 4 stars; one submission).

Allele frequency attached by ClinVar (database versions not stated): ExAC 0.00001; TOPMed 0.00001; gnomAD 0.00002.
gnomAD v4.1: 10 of 1,613,836 alleles (0.00062%); highest among the groups gnomAD compares: East Asian, 0.0067%; no homozygotes.

Submission:

Labcorp Genetics (formerly Invitae), Labcorp
Classification: Uncertain significance. Last evaluated: 2022-10-14. Review status: criteria provided, single submitter. Criteria: Invitae Variant Classification Sherloc (09022015). Collection method: clinical testing. Allele origin: germline.
Comment: This variant is present in population databases (rs768125686, gnomAD 0.02%). This sequence change replaces threonine, which is neutral and polar, with methionine, which is neutral and non-polar, at codon 363 of the GRM1 protein (p.Thr363Met). This variant has not been reported in the literature in individuals affected with GRM1-related conditions. In summary, the available evidence is currently insufficient to determine the role of this variant in disease. Therefore, it has been classified as a Variant of Uncertain Significance. Algorithms developed to predict the effect of missense changes on protein structure and function are either unavailable or do not agree on the potential impact of this missense change (SIFT: "Deleterious"; PolyPhen-2: "Benign"; Align-GVGD: "Class C0").